The following is an entry in ClinVar:

ClinVar aggregate classification (germline): Uncertain significance. Review status: criteria provided, multiple submitters, no conflicts (2 of 4 stars). 2 submissions from 2 submitters: Uncertain significance (2). Last evaluated 2024-11-08.

Conditions:
Inborn genetic diseases. Identifiers: MedGen C0950123, MeSH D030342.

Allele frequency attached by ClinVar (database versions not stated): gnomAD exomes 0.00002; ExAC 0.00004; 1000 Genomes Project 30x 0.00016; 1000 Genomes Project 0.00020.
gnomAD v4.1: 35 of 1,551,552 alleles (0.0023%); highest among the groups gnomAD compares: Admixed American, 0.022%; no homozygotes.

Submissions (2):

Ambry Genetics
Classification: Uncertain significance for Inborn genetic diseases. Last evaluated: 2024-11-08. Review status: criteria provided, single submitter. Criteria: Ambry Variant Classification Scheme 2023. Collection method: clinical testing. Allele origin: germline.

Labcorp Genetics (formerly Invitae), Labcorp
Classification: Uncertain significance. Last evaluated: 2022-10-05. Review status: criteria provided, single submitter. Criteria: Invitae Variant Classification Sherloc (09022015). Collection method: clinical testing. Allele origin: germline.
Comment: This sequence change replaces threonine, which is neutral and polar, with methionine, which is neutral and non-polar, at codon 1701 of the LOXHD1 protein (p.Thr1701Met). This variant is present in population databases (rs535510598, gnomAD 0.04%). This variant has not been reported in the literature in individuals affected with LOXHD1-related conditions. Algorithms developed to predict the effect of missense changes on protein structure and function are either unavailable or do not agree on the potential impact of this missense change (SIFT: "Deleterious"; PolyPhen-2: "Probably Damaging"; Align-GVGD: "Class C0"). In summary, the available evidence is currently insufficient to determine the role of this variant in disease. Therefore, it has been classified as a Variant of Uncertain Significance.

NM_001384474.1(LOXHD1):c.5288C>T (p.Thr1763Met)

Gene: LOXHD1 (lipoxygenase homology PLAT domains 1; minus strand). Cytogenetic location: 18q21.1.
Variant type: single nucleotide variant.
Coding change: c.5288C>T on transcript NM_001384474.1 (MANE Select); coding-DNA position 5288, C replaced by T.
Protein change: p.Thr1763Met; replaces threonine 1763 with methionine.
Molecular consequence: missense variant.
Genome position (GRCh38, 1-based): chr18:46,518,240, G>A on the plus strand (C>T on the coding strand, the complement: LOXHD1 is on the minus strand). VCF-style: chr18-46518240-G-A. GRCh37 (hg19) VCF-style: chr18-44098203-G-A.
Other names: c.1955C>T, p.Thr652Met (NM_001145472.3); c.5C>T, p.Thr2Met (NM_001145473.3, NM_001173129.2); c.1667C>T, p.Thr556Met (NM_001308013.2); c.5102C>T, p.Thr1701Met (NM_144612.7); c.5102C>T (NM_144612.6); short protein forms T2M, T556M, T1701M, T1763M, T652M.
Identifiers: ClinVar variation 2007402 (VCV002007402.2), dbSNP rs535510598, ClinGen allele CA8952215.
Genomic context (GRCh38, chr18:46,518,240, plus strand): 5'-TAGAGGGTCATGAAGATGTTGGAGTCAGTGCCCCCGCCAACCACATCCCCTGTCCACACC[G>A]TCATTTCATAGAGAACCTGCCATGAGAGGAATGCAGGTGCTGAGTCTCAGCCTCACCCTC-3'
Protein context (NP_001371403.1, residues 1753-1773): NIGVKVLYEM[Thr1763Met]VWTGDVVGGG